The following is an entry in ClinVar:

NM_024422.6(DSC2):c.320A>G (p.Lys107Arg)

Gene: DSC2 (desmocollin 2; minus strand). Cytogenetic location: 18q12.1.
Variant type: single nucleotide variant.
Coding change: c.320A>G on transcript NM_024422.6 (MANE Select); coding-DNA position 320, A replaced by G.
Protein change: p.Lys107Arg; replaces lysine 107 with arginine.
Molecular consequence: missense variant. On other transcripts: 5 prime UTR variant (2).
Genome position (GRCh38, 1-based): chr18:31,092,135, T>C on the plus strand (A>G on the coding strand, the complement: DSC2 is on the minus strand). VCF-style: chr18-31092135-T-C. GRCh37 (hg19) VCF-style: chr18-28672098-T-C.
Other names: c.-110A>G (NM_001406506.1, NM_001406507.1); c.320A>G, p.Lys107Arg (NM_004949.5); short protein forms K107R.
Identifiers: ClinVar variation 3072747 (VCV003072747.4), dbSNP rs1743965498, ClinGen allele CA402114632.

ClinVar aggregate classification (germline): Uncertain significance. Review status: criteria provided, multiple submitters, no conflicts (2 of 4 stars). 3 submissions from 3 submitters: Uncertain significance (3). Last evaluated 2024-12-08.

Conditions:
Familial isolated arrhythmogenic right ventricular dysplasia. Identifiers: Orphanet 217656, MedGen C4274968, MONDO:0016342.
Cardiomyopathy (CMYO). Also called: Cardiomyopathies. Identifiers: Orphanet 167848, MedGen C0878544, MONDO:0004994, HP:0001638. Inheritance: Various modes of inheritance.
Arrhythmogenic right ventricular dysplasia 11. Also called: ARRHYTHMOGENIC RIGHT VENTRICULAR DYSPLASIA, FAMILIAL, 11; Arrhythmogenic Right Ventricular Dysplasia/Cardiomyopathy11; Arrhythmogenic right ventricular dysplasia 11 with mild palmoplantar keratoderma and woolly hair. Identifiers: MedGen C1864850, MONDO:0012506, OMIM 610476.

Allele frequency attached by ClinVar (database versions not stated): gnomAD exomes below 0.00001; TOPMed below 0.00001.
gnomAD v4.1: 1 of 1,613,286 alleles (0.000062%); highest among the groups gnomAD compares: Non-Finnish European, 0.000085%; no homozygotes.

Submissions (3):

Labcorp Genetics (formerly Invitae), Labcorp
Classification: Uncertain significance for Arrhythmogenic right ventricular dysplasia 11. Last evaluated: 2024-12-08. Review status: criteria provided, single submitter. Criteria: Invitae Variant Classification Sherloc (09022015). Collection method: clinical testing. Allele origin: germline.
Comment: This sequence change replaces lysine, which is basic and polar, with arginine, which is basic and polar, at codon 107 of the DSC2 protein (p.Lys107Arg). This variant is not present in population databases (gnomAD no frequency). This variant has not been reported in the literature in individuals affected with DSC2-related conditions. ClinVar contains an entry for this variant (Variation ID: 3072747). Invitae Evidence Modeling of protein sequence and biophysical properties (such as structural, functional, and spatial information, amino acid conservation, physicochemical variation, residue mobility, and thermodynamic stability) indicates that this missense variant is not expected to disrupt DSC2 protein function with a negative predictive value of 80%. In summary, the available evidence is currently insufficient to determine the role of this variant in disease. Therefore, it has been classified as a Variant of Uncertain Significance.

All of Us Research Program, National Institutes of Health
Classification: Uncertain significance for Familial isolated arrhythmogenic right ventricular dysplasia. Last evaluated: 2023-11-30. Review status: criteria provided, single submitter. Criteria: ACMG Guidelines, 2015. Collection method: clinical testing. Allele origin: germline. Inheritance: Autosomal dominant inheritance. Observed: 2 variant alleles, 2 heterozygotes.
Comment: This missense variant replaces lysine with arginine at codon 107 of the DSC2 protein. Computational prediction suggests that this variant may not impact protein structure and function (internally defined REVEL score threshold <= 0.5, PMID: 27666373). To our knowledge, functional studies have not been reported for this variant. This variant has not been reported in individuals affected with DSC2-related disorders in the literature. This variant has not been identified in the general population by the Genome Aggregation Database (gnomAD). The available evidence is insufficient to determine the role of this variant in disease conclusively. Therefore, this variant is classified as a Variant of Uncertain Significance.

This study involves interpretation of variants in research participants for the purpose of population health screening. Participant phenotype was not available at the time of variant classification. Additional details can be found in publication PMID: 35346344, PMCID: PMC8962531

Color Diagnostics, LLC DBA Color Health
Classification: Uncertain significance for Cardiomyopathy. Last evaluated: 2023-07-20. Review status: criteria provided, single submitter. Criteria: ACMG Guidelines, 2015. Collection method: clinical testing. Allele origin: germline.
Comment: This missense variant replaces lysine with arginine at codon 107 of the DSC2 protein. Computational prediction suggests that this variant may not impact protein structure and function. To our knowledge, functional studies have not been reported for this variant. This variant has not been reported in individuals affected with DSC2-related disorders in the literature. This variant has not been identified in the general population by the Genome Aggregation Database (gnomAD). The available evidence is insufficient to determine the role of this variant in disease conclusively. Therefore, this variant is classified as a Variant of Uncertain Significance.